The following is an entry in ClinVar:

ClinVar aggregate classification (germline): Likely benign. Review status: criteria provided, single submitter (1 of 4 stars). 2 submissions from 2 submitters: Likely benign (1). 1 of the submissions does not count toward it. Last evaluated 2025-03-18.

Conditions:
MYH9-related disorder. Identifiers: MedGen C1854520.

gnomAD v4.1: 25 of 1,614,104 alleles (0.0015%); highest among the groups gnomAD compares: Non-Finnish European, 0.0021%; no homozygotes.

Submissions (2):

Labcorp Genetics (formerly Invitae), Labcorp
Classification: Likely benign. Last evaluated: 2025-03-18. Review status: criteria provided, single submitter. Criteria: Invitae Variant Classification Sherloc (09022015). Collection method: clinical testing. Allele origin: germline.

PreventionGenetics, part of Exact Sciences
Classification: Uncertain significance for MYH9-related condition. Last evaluated: 2024-07-11. Review status: no assertion criteria provided. Collection method: clinical testing. Allele origin: germline. Not counted in ClinVar's aggregate classification.
Comment: The MYH9 c.5462A>G variant is predicted to result in the amino acid substitution p.Glu1821Gly. To our knowledge, this variant has not been reported in the literature. This variant is reported in 0.0065% of alleles in individuals of European (Non-Finnish) descent in gnomAD. At this time, the clinical significance of this variant is uncertain due to the absence of conclusive functional and genetic evidence.

NM_002473.6(MYH9):c.5462A>G (p.Glu1821Gly)

Gene: MYH9 (myosin heavy chain 9; minus strand). Cytogenetic location: 22q12.3.
Variant type: single nucleotide variant.
Coding change: c.5462A>G on transcript NM_002473.6 (MANE Select); coding-DNA position 5462, A replaced by G.
Protein change: p.Glu1821Gly; replaces glutamic acid 1821 with glycine.
Molecular consequence: missense variant.
Genome position (GRCh38, 1-based): chr22:36,285,142, T>C on the plus strand (A>G on the coding strand, the complement: MYH9 is on the minus strand). VCF-style: chr22-36285142-T-C. GRCh37 (hg19) VCF-style: chr22-36681188-T-C.
Other names: short protein forms E1821G.
Identifiers: ClinVar variation 3355434 (VCV003355434.2).